The following is an entry in ClinVar:

ClinVar aggregate classification (germline): Likely benign (1 of 4 stars; one submission).

Conditions:
FITM2-related disorder. Also called: FITM2-related condition.

Submission:

PreventionGenetics, part of Exact Sciences
Classification: Likely benign for FITM2-related condition. Last evaluated: 2025-01-30. Review status: criteria provided, single submitter. Criteria: ACMG Guidelines, 2015. Collection method: clinical testing. Allele origin: germline.
Comment: This variant is classified as likely benign based on ACMG/AMP sequence variant interpretation guidelines (Richards et al. 2015 PMID: 25741868, with internal and published modifications).

NM_001080472.4(FITM2):c.68A>G (p.Tyr23Cys)

Gene: FITM2 (fat storage inducing transmembrane protein 2; minus strand). Cytogenetic location: 20q13.12.
Variant type: single nucleotide variant.
Coding change: c.68A>G on transcript NM_001080472.4 (MANE Select); coding-DNA position 68, A replaced by G.
Protein change: p.Tyr23Cys; replaces tyrosine 23 with cysteine.
Molecular consequence: missense variant.
Genome position (GRCh38, 1-based): chr20:44,311,081, T>C on the plus strand (A>G on the coding strand, the complement: FITM2 is on the minus strand). VCF-style: chr20-44311081-T-C. GRCh37 (hg19) VCF-style: chr20-42939721-T-C.
Other names: short protein forms Y23C.
Identifiers: ClinVar variation 4980934 (VCV004980934.1).